The following is an entry in ClinVar:

NM_000051.4(ATM):c.1809del (p.Pro604fs)

Gene: ATM (ATM serine/threonine kinase; plus strand). Cytogenetic location: 11q22.3.
Variant type: Deletion.
Coding change: c.1809del on transcript NM_000051.4 (MANE Select); coding-DNA position 1809, one base deleted (T; older notation c.1809delT).
Protein change: p.Pro604fs; shifts the reading frame from proline 604.
Molecular consequence: frameshift variant.
Genome position (GRCh38, 1-based): chr11:108,252,823, T deleted; the last of 4 consecutive T bases (chr11:108,252,820-108,252,823); deleting any one gives the same sequence. VCF-style (leftmost placement, unchanged base first): chr11-108252819-AT-A. GRCh37 (hg19) VCF-style: chr11-108123546-AT-A.
Other names: c.1809del, p.Pro604fs (NM_001351834.2); short protein forms P604fs.
Identifiers: ClinVar variation 3148750 (VCV003148750.1), dbSNP rs2497289050, ClinGen allele CA2825001801.

ClinVar aggregate classification (germline): Pathogenic (1 of 4 stars; one submission).

Conditions:
Familial cancer of breast. Also called: BREAST CANCER, FAMILIAL; Hereditary breast cancer; hereditary breast carcinoma. Identifiers: Orphanet 227535, MedGen C0346153, MONDO:0016419, OMIM 114480. Disease mechanism: loss of function.

Submission:

Myriad Genetics, Inc.
Classification: Pathogenic for Familial cancer of breast. Last evaluated: 2024-01-16. Review status: criteria provided, single submitter. Criteria: Myriad Autosomal Dominant, Autosomal Recessive and X-Linked Classification Criteria (2023). Collection method: clinical testing. Allele origin: unknown.
Comment: This variant is considered pathogenic. This variant creates a frameshift predicted to result in premature protein truncation.